The following is an entry in ClinVar:

ClinVar aggregate classification (germline): Uncertain significance. Review status: criteria provided, multiple submitters, no conflicts (2 of 4 stars). 2 submissions from 2 submitters: Uncertain significance (2). Last evaluated 2023-08-07.

Conditions:
Hereditary cancer-predisposing syndrome. Also called: Hereditary Cancer Syndrome; Hereditary neoplastic syndrome; Neoplastic Syndromes, Hereditary; Tumor predisposition. Identifiers: Orphanet 140162, MedGen C0027672, MeSH D009386, MONDO:0015356.

Submissions (2):

Labcorp Genetics (formerly Invitae), Labcorp
Classification: Uncertain significance for Hereditary cancer-predisposing syndrome. Last evaluated: 2023-08-07. Review status: criteria provided, single submitter. Criteria: Invitae Variant Classification Sherloc (09022015). Collection method: clinical testing. Allele origin: germline.
Comment: This sequence change replaces leucine, which is neutral and non-polar, with valine, which is neutral and non-polar, at codon 521 of the RAD50 protein (p.Leu521Val). This variant is not present in population databases (gnomAD no frequency). This variant has not been reported in the literature in individuals affected with RAD50-related conditions. ClinVar contains an entry for this variant (Variation ID: 1429920). Advanced modeling of protein sequence and biophysical properties (such as structural, functional, and spatial information, amino acid conservation, physicochemical variation, residue mobility, and thermodynamic stability) performed at Invitae indicates that this missense variant is expected to disrupt RAD50 protein function. In summary, the available evidence is currently insufficient to determine the role of this variant in disease. Therefore, it has been classified as a Variant of Uncertain Significance.

Ambry Genetics
Classification: Uncertain significance for Hereditary cancer-predisposing syndrome. Last evaluated: 2022-11-10. Review status: criteria provided, single submitter. Criteria: Ambry Variant Classification Scheme 2023. Collection method: clinical testing. Allele origin: germline.
Comment: The p.L521V variant (also known as c.1561C>G), located in coding exon 10 of the RAD50 gene, results from a C to G substitution at nucleotide position 1561. The leucine at codon 521 is replaced by valine, an amino acid with highly similar properties. This amino acid position is conserved. In addition, the in silico prediction for this alteration is inconclusive. Since supporting evidence is limited at this time, the clinical significance of this alteration remains unclear.

NM_005732.4(RAD50):c.1561C>G (p.Leu521Val)

Gene: RAD50 (RAD50 double strand break repair protein; plus strand). Cytogenetic location: 5q31.1.
Variant type: single nucleotide variant.
Coding change: c.1561C>G on transcript NM_005732.4 (MANE Select); coding-DNA position 1561, C replaced by G.
Protein change: p.Leu521Val; replaces leucine 521 with valine.
Molecular consequence: missense variant.
Genome position (GRCh38, 1-based): chr5:132,591,332, C>G. VCF-style: chr5-132591332-C-G. GRCh37 (hg19) VCF-style: chr5-131927024-C-G.
Other names: c.1561C>G (NM_005732.3); short protein forms L521V.
Identifiers: ClinVar variation 1429920 (VCV001429920.9), dbSNP rs1554098415, ClinGen allele CA360945904.